The following is an entry in ClinVar:

NM_198880.3(QRICH1):c.1895+3A>C

Gene: QRICH1 (glutamine rich 1; minus strand). Cytogenetic location: 3p21.31.
Variant type: single nucleotide variant.
Coding change: c.1895+3A>C on transcript NM_198880.3 (MANE Select); 3 bases into the intron after coding-DNA position 1895, A replaced by C.
Molecular consequence: intron variant.
Genome position (GRCh38, 1-based): chr3:49,033,117, T>G on the plus strand (A>C on the coding strand, the complement: QRICH1 is on the minus strand). VCF-style: chr3-49033117-T-G. GRCh37 (hg19) VCF-style: chr3-49070550-T-G.
Other names: c.1895+3A>C (NM_001320584.1, NM_001320585.1, NM_017730.4 and 4 more transcripts).
Identifiers: ClinVar variation 4819518 (VCV004819518.1).

ClinVar aggregate classification (germline): Uncertain significance (1 of 4 stars; one submission).

Submission:

GeneDx
Classification: Uncertain significance. Last evaluated: 2025-10-01. Review status: criteria provided, single submitter. Criteria: GeneDx Variant Classification Process June 2021. Collection method: clinical testing. Allele origin: germline. Affected: yes.
Comment: Not observed at significant frequency in large population cohorts (gnomAD); In silico analysis supports a deleterious effect on splicing; Has not been previously published as pathogenic or benign to our knowledge